The following is an entry in ClinVar:

ClinVar aggregate classification (germline): Uncertain significance (1 of 4 stars; one submission).

Conditions:
Inborn genetic diseases. Identifiers: MedGen C0950123, MeSH D030342.

Submission:

Ambry Genetics
Classification: Uncertain significance for Inborn genetic diseases. Last evaluated: 2025-09-20. Review status: criteria provided, single submitter. Criteria: Ambry Variant Classification Scheme 2023. Collection method: clinical testing. Allele origin: germline.
Comment: The p.A438V variant (also known as c.1313C>T), located in coding exon 10 of the FANCG gene, results from a C to T substitution at nucleotide position 1313. The alanine at codon 438 is replaced by valine, an amino acid with similar properties. This amino acid position is conserved. In addition, this alteration is predicted to be tolerated by in silico analysis. Based on the available evidence, the clinical significance of this variant remains unclear.

NM_004629.2(FANCG):c.1313C>T (p.Ala438Val)

Gene: FANCG (FA complementation group G; minus strand). Cytogenetic location: 9p13.3.
Variant type: single nucleotide variant.
Coding change: c.1313C>T on transcript NM_004629.2 (MANE Select); coding-DNA position 1313, C replaced by T.
Protein change: p.Ala438Val; replaces alanine 438 with valine.
Molecular consequence: missense variant.
Genome position (GRCh38, 1-based): chr9:35,075,585, G>A on the plus strand (C>T on the coding strand, the complement: FANCG is on the minus strand). VCF-style: chr9-35075585-G-A. GRCh37 (hg19) VCF-style: chr9-35075582-G-A.
Other names: short protein forms A438V.
Identifiers: ClinVar variation 4619349 (VCV004619349.1).